The following is an entry in ClinVar:

ClinVar aggregate classification (germline): Uncertain significance (1 of 4 stars; one submission).

Submission:

Labcorp Genetics (formerly Invitae), Labcorp
Classification: Uncertain significance. Last evaluated: 2025-07-31. Review status: criteria provided, single submitter. Criteria: Invitae Variant Classification Sherloc (09022015). Collection method: clinical testing. Allele origin: germline.
Comment: This variant, c.1565_1567del, results in the deletion of 1 amino acid(s) of the MTTP protein (p.Lys522del), but otherwise preserves the integrity of the reading frame. This variant is present in population databases (no rsID available, gnomAD 0.007%). This variant has not been reported in the literature in individuals affected with MTTP-related conditions. Experimental studies and prediction algorithms are not available or were not evaluated, and the functional significance of this variant is currently unknown. In summary, the available evidence is currently insufficient to determine the role of this variant in disease. Therefore, it has been classified as a Variant of Uncertain Significance.

NM_001386140.1(MTTP):c.1562AGA[1] (p.Lys522del)

Gene: MTTP (microsomal triglyceride transfer protein; plus strand). Cytogenetic location: 4q23.
Variant type: Microsatellite.
Coding change: c.1562AGA[1] on transcript NM_001386140.1 (MANE Select); one copy of the 3-base unit AGA starting at c.1562; the reference has two copies in a row; one copy, 3 bases deleted.
Protein change: p.Lys522del; deletes lysine 522.
Molecular consequence: inframe deletion.
Genome position (GRCh38, 1-based): chr4:99,608,773-99,608,775, AGA deleted; deleting any 3 consecutive bases within chr4:99,608,768-99,608,775 gives the same sequence; the position shown is the placement nearest the transcript's 3' end. VCF-style (leftmost placement, unchanged base first): chr4-99608767-TGAA-T. GRCh37 (hg19) VCF-style: chr4-100529924-TGAA-T.
Other names: c.1562AGA[1], p.Lys522del (NM_000253.4); c.1313AGA[1], p.Lys439del (NM_001300785.2); short protein forms K439del, K522del.
Identifiers: ClinVar variation 2096011 (VCV002096011.3), dbSNP rs1301806588, ClinGen allele CA553568421.